The following is an entry in ClinVar:

NM_001277062.2(MFF):c.598A>G (p.Arg200Gly)

Gene: MFF (mitochondrial fission factor; plus strand). Cytogenetic location: 2q36.3.
Variant type: single nucleotide variant.
Coding change: c.598A>G on transcript NM_001277062.2 (MANE Select); coding-DNA position 598, A replaced by G.
Protein change: p.Arg200Gly; replaces arginine 200 with glycine.
Molecular consequence: missense variant. On other transcripts: intron variant (4).
Genome position (GRCh38, 1-based): chr2:227,347,383, A>G. VCF-style: chr2-227347383-A-G. GRCh37 (hg19) VCF-style: chr2-228212099-A-G.
Other names: c.751A>G, p.Arg251Gly (NM_001277061.2, NM_020194.5); c.448A>G, p.Arg150Gly (NM_001277067.1); c.481A>G, p.Arg161Gly (NM_001277068.1); c.515+4564A>G (NM_001277063.2); c.441-5131A>G (NM_001277064.2); c.440+7003A>G (NM_001277065.2, NM_001277066.2); short protein forms R150G, R251G, R161G, R200G.
Identifiers: ClinVar variation 1350112 (VCV001350112.8), dbSNP rs144276627, ClinGen allele CA2147988.

ClinVar aggregate classification (germline): Uncertain significance (1 of 4 stars; one submission).

Allele frequency attached by ClinVar (database versions not stated): gnomAD 0.00001; ExAC 0.00002; gnomAD exomes 0.00002; TOPMed 0.00002; ESP Exome Variant Server 0.00008.
gnomAD v4.1: 24 of 1,613,304 alleles (0.0015%); highest among the groups gnomAD compares: Non-Finnish European, 0.0019%; no homozygotes.

Submission:

Labcorp Genetics (formerly Invitae), Labcorp
Classification: Uncertain significance. Last evaluated: 2024-10-29. Review status: criteria provided, single submitter. Criteria: Invitae Variant Classification Sherloc (09022015). Collection method: clinical testing. Allele origin: germline.
Comment: This sequence change replaces arginine, which is basic and polar, with glycine, which is neutral and non-polar, at codon 251 of the MFF protein (p.Arg251Gly). This variant is present in population databases (rs144276627, gnomAD 0.006%). This variant has not been reported in the literature in individuals affected with MFF-related conditions. ClinVar contains an entry for this variant (Variation ID: 1350112). An algorithm developed to predict the effect of missense changes on protein structure and function (PolyPhen-2) suggests that this variant is likely to be disruptive. Algorithms developed to predict the effect of sequence changes on RNA splicing suggest that this variant may disrupt the consensus splice site. In summary, the available evidence is currently insufficient to determine the role of this variant in disease. Therefore, it has been classified as a Variant of Uncertain Significance.